The following is an entry in ClinVar:

ClinVar aggregate classification (germline): Likely benign (0 of 4 stars; one submission).

Conditions:
PLXNA1-related disorder. Also called: PLXNA1-related condition.

Submission:

PreventionGenetics, part of Exact Sciences
Classification: Likely benign for PLXNA1-related condition. Last evaluated: 2023-11-06. Review status: no assertion criteria provided. Collection method: clinical testing. Allele origin: germline.
Comment: This variant is classified as likely benign based on ACMG/AMP sequence variant interpretation guidelines (Richards et al. 2015 PMID: 25741868, with internal and published modifications).

NM_032242.4(PLXNA1):c.1744-6G>A

Gene: PLXNA1 (plexin A1; plus strand). Cytogenetic location: 3q21.3.
Variant type: single nucleotide variant.
Coding change: c.1744-6G>A on transcript NM_032242.4 (MANE Select); 6 bases into the intron before coding-DNA position 1744, G replaced by A.
Molecular consequence: intron variant.
Genome position (GRCh38, 1-based): chr3:127,005,084, G>A. VCF-style: chr3-127005084-G-A. GRCh37 (hg19) VCF-style: chr3-126723927-G-A.
Identifiers: ClinVar variation 3349999 (VCV003349999.1).